The following is an entry in ClinVar:

NM_001017980.4(VMA21):c.166G>A (p.Ala56Thr)

Gene: VMA21 (vacuolar ATPase assembly factor VMA21; plus strand). Cytogenetic location: Xq28.
Variant type: single nucleotide variant.
Coding change: c.166G>A on transcript NM_001017980.4 (MANE Select); coding-DNA position 166, G replaced by A.
Protein change: p.Ala56Thr; replaces alanine 56 with threonine.
Molecular consequence: missense variant.
Genome position (GRCh38, 1-based): chrX:151,404,918, G>A. VCF-style: chrX-151404918-G-A. GRCh37 (hg19) VCF-style: chrX-150573390-G-A.
Other names: c.331G>A, p.Ala111Thr (NM_001363810.1); short protein forms A56T, A111T.
Identifiers: ClinVar variation 570316 (VCV000570316.11), dbSNP rs140025330, ClinGen allele CA10540579.
Genomic context (GRCh38, chrX:151,404,918, plus strand): 5'-TTTTTGTACTTTGGTAAATTTTGCAATAAAATGGAAACTGTTTTTTTTCTCTTGATAGGC[G>A]CCCTTGGGATGTCCAATAGGGACAGCTATTTTTACGCTGCTATTGTTGCAGTGGTCGCCG-3'
Protein context (NP_001017980.1, residues 46-66): FTTKSYIFEG[Ala56Thr]LGMSNRDSYF

ClinVar aggregate classification (germline): Uncertain significance. Review status: criteria provided, multiple submitters, no conflicts (2 of 4 stars). 2 submissions from 2 submitters: Uncertain significance (2). Last evaluated 2025-04-19.

Conditions:
Inborn genetic diseases. Identifiers: MedGen C0950123, MeSH D030342.
X-linked myopathy with excessive autophagy (AVM). Also called: Vacuolar myopathy; Autophagic vacuolar myopathy. Identifiers: Orphanet 25980, MedGen C1839615, MONDO:0010684, OMIM 310440.

Allele frequency attached by ClinVar (database versions not stated): gnomAD exomes 0.00003 and 0.00007; ExAC 0.00008; gnomAD 0.00022; TOPMed 0.00022; ESP Exome Variant Server 0.00028.
gnomAD v4.1: 54 of 1,204,401 alleles (0.0045%); highest among the groups gnomAD compares: African/African-American, 0.077%; no homozygotes.

Submissions (2):

Labcorp Genetics (formerly Invitae), Labcorp
Classification: Uncertain significance for X-linked myopathy with excessive autophagy. Last evaluated: 2025-04-19. Review status: criteria provided, single submitter. Criteria: Invitae Variant Classification Sherloc (09022015). Collection method: clinical testing. Allele origin: germline.
Comment: This sequence change replaces alanine, which is neutral and non-polar, with threonine, which is neutral and polar, at codon 56 of the VMA21 protein (p.Ala56Thr). This variant is present in population databases (rs140025330, gnomAD 0.07%), and has an allele count higher than expected for a pathogenic variant. This variant has not been reported in the literature in individuals affected with VMA21-related conditions. ClinVar contains an entry for this variant (Variation ID: 570316). An algorithm developed to predict the effect of missense changes on protein structure and function (PolyPhen-2) suggests that this variant is likely to be tolerated. In summary, the available evidence is currently insufficient to determine the role of this variant in disease. Therefore, it has been classified as a Variant of Uncertain Significance.

Ambry Genetics
Classification: Uncertain significance for Inborn genetic diseases. Last evaluated: 2024-01-30. Review status: criteria provided, single submitter. Criteria: Ambry Variant Classification Scheme 2023. Collection method: clinical testing. Allele origin: germline.